The following is an entry in ClinVar:

NM_000284.4(PDHA1):c.624C>A (p.Tyr208Ter)

Gene: PDHA1 (pyruvate dehydrogenase E1 subunit alpha 1; plus strand). Cytogenetic location: Xp22.12.
Variant type: single nucleotide variant.
Coding change: c.624C>A on transcript NM_000284.4 (MANE Select); coding-DNA position 624, C replaced by A.
Protein change: p.Tyr208Ter; replaces tyrosine 208 with a stop codon.
Molecular consequence: nonsense.
Genome position (GRCh38, 1-based): chrX:19,355,369, C>A. VCF-style: chrX-19355369-C-A. GRCh37 (hg19) VCF-style: chrX-19373487-C-A.
Other names: c.738C>A, p.Tyr246Ter (NM_001173454.2); c.645C>A, p.Tyr215Ter (NM_001173455.2); c.531C>A, p.Tyr177Ter (NM_001173456.2); short protein forms Y177*, Y208*, Y215*, Y246*.
Identifiers: ClinVar variation 1320310 (VCV001320310.1), dbSNP rs2147180742, ClinGen allele CA412394318.

ClinVar aggregate classification (germline): Likely pathogenic (1 of 4 stars; one submission).

Conditions:
Pyruvate dehydrogenase E1-alpha deficiency (PDHAD). Also called: ATAXIA, INTERMITTENT, WITH PYRUVATE DEHYDROGENASE DEFICIENCY; ATAXIA WITH LACTIC ACIDOSIS I; ATAXIA, INTERMITTENT, WITH ABNORMAL PYRUVATE METABOLISM; Ataxia, intermittent, with pyruvate dehydrogenase, or decarboxylase, deficiency. Identifiers: Orphanet 79243, MedGen C1839413, MONDO:0010717, OMIM 312170.

Submission:

HudsonAlpha Institute for Biotechnology
Classification: Likely pathogenic for Pyruvate dehydrogenase E1-alpha deficiency. Last evaluated: 2021-10-26. Review status: criteria provided, single submitter. Criteria: ACMG Guidelines, 2015. Collection method: research. Allele origin: unknown. Affected: yes. Observed: 1 variant allele. Study: CSER-SouthSeq.
Comment: ACMG codes: PVS1; PM2